The following is an entry in ClinVar:

NM_004168.4(SDHA):c.1065-1G>C

Gene: SDHA (succinate dehydrogenase complex flavoprotein subunit A; plus strand). Cytogenetic location: 5p15.33.
Variant type: single nucleotide variant.
Coding change: c.1065-1G>C on transcript NM_004168.4 (MANE Select); the canonical splice acceptor site of the intron before coding-DNA position 1065, G replaced by C.
Molecular consequence: splice acceptor variant.
Genome position (GRCh38, 1-based): chr5:235,143, G>C. VCF-style: chr5-235143-G-C. GRCh37 (hg19) VCF-style: chr5-235258-G-C.
Other names: c.1065-1G>C (NM_001330758.2); c.921-1G>C (NM_001294332.2).
Identifiers: ClinVar variation 3438697 (VCV003438697.1).

ClinVar aggregate classification (germline): Likely pathogenic (1 of 4 stars; one submission).

Conditions:
Hereditary cancer-predisposing syndrome. Also called: Tumor predisposition; Neoplastic Syndromes, Hereditary; Hereditary neoplastic syndrome; Hereditary Cancer Syndrome. Identifiers: Orphanet 140162, MedGen C0027672, MeSH D009386, MONDO:0015356.

Submission:

Ambry Genetics
Classification: Likely pathogenic for Hereditary cancer-predisposing syndrome. Last evaluated: 2024-10-04. Review status: criteria provided, single submitter. Criteria: Ambry Variant Classification Scheme 2023. Collection method: clinical testing. Allele origin: germline.
Comment: The c.1065-1G>C intronic variant results from a G to C substitution one nucleotide upstream from coding exon 9 of the SDHA gene. This variant is considered to be rare based on population cohorts in the Genome Aggregation Database (gnomAD). This nucleotide position is highly conserved in available vertebrate species. In silico splice site analysis predicts that this alteration will weaken the native splice acceptor site and will result in the creation or strengthening of a novel splice acceptor site; however, direct evidence is insufficient at this time (Ambry internal data). Alterations that disrupt the canonical splice site are expected to cause aberrant splicing, resulting in an abnormal protein or a transcript that is subject to nonsense-mediated mRNA decay. As such, this alteration is classified as likely pathogenic.